The following is an entry in ClinVar:

NM_025114.4(CEP290):c.6788del (p.Ser2263fs)

Gene: CEP290 (centrosomal protein 290; minus strand). Cytogenetic location: 12q21.32.
Variant type: Deletion.
Coding change: c.6788del on transcript NM_025114.4 (MANE Select); coding-DNA position 6788, one base deleted (G; older notation c.6788delG).
Protein change: p.Ser2263fs; shifts the reading frame from serine 2263.
Molecular consequence: frameshift variant.
Genome position (GRCh38, 1-based): chr12:88,058,878, C deleted on the plus strand (G on the coding strand, the reverse complement: CEP290 is on the minus strand). VCF-style (leftmost placement, unchanged base first): chr12-88058877-AC-A. GRCh37 (hg19) VCF-style: chr12-88452654-AC-A.
Other names: c.6788delG (NM_025114.3); c.6788del (NM_025114.3); short protein forms S2263fs.
Identifiers: ClinVar variation 3750624 (VCV003750624.4).

ClinVar aggregate classification (germline): Pathogenic/Likely pathogenic. Review status: criteria provided, multiple submitters, no conflicts (2 of 4 stars). 3 submissions from 3 submitters: Pathogenic (2); Likely pathogenic (1). Last evaluated 2026-01-27.

Conditions:
Meckel-Gruber syndrome. Also called: Dysencephalia splachnocystica; DYSENCEPHALIA SPLANCHNOCYSTICA; GRUBER SYNDROME. Identifiers: Orphanet 564, MedGen C0265215, MONDO:0018921.
Joubert syndrome. Also called: Familial aplasia of the vermis; JOUBERT-BOLTSHAUSER SYNDROME. Identifiers: Orphanet 475, MedGen C5979921, MONDO:0018772.
Nephronophthisis. Also called: Juvenile Nephronophthisis. Identifiers: Orphanet 655, MedGen C0687120, MONDO:0019005, HP:0000090.
CEP290-related disorder. Also called: CEP290-related disorders; CEP290-related condition. Identifiers: MedGen CN239314.

Submissions (3):

PreventionGenetics, part of Exact Sciences
Classification: Pathogenic for CEP290-related condition. Last evaluated: 2026-01-27. Review status: criteria provided, single submitter. Criteria: ACMG Guidelines, 2015. Collection method: clinical testing. Allele origin: germline.
Comment: The CEP290 c.6788delG variant is predicted to result in a frameshift and premature protein termination (p.Ser2263Ilefs*17). This variant has been reported in an individual with inherited retinal disease (Table S1, Lin et al. 2024. PubMed ID: 38219857). This variant is reported in 0.0033% of alleles in individuals of South Asian descent in gnomAD. Frameshift variants in CEP290 are expected to be pathogenic. This variant is interpreted as pathogenic.

GeneDx
Classification: Likely pathogenic. Last evaluated: 2025-02-07. Review status: criteria provided, single submitter. Criteria: GeneDx Variant Classification Process June 2021. Collection method: clinical testing. Allele origin: germline. Affected: yes.
Comment: Reported in one patient with a suspected inherited retinal disease; however, detailed clinical and segregation information was not provided (PMID: 38219857); Frameshift variant predicted to result in protein truncation or nonsense mediated decay in a gene for which loss of function is a known mechanism of disease; Not observed at significant frequency in large population cohorts (gnomAD); This variant is associated with the following publications: (PMID: 31964843, 38219857)

Labcorp Genetics (formerly Invitae), Labcorp
Classification: Pathogenic for Joubert syndrome; Meckel-Gruber syndrome; Nephronophthisis. Last evaluated: 2024-03-05. Review status: criteria provided, single submitter. Criteria: Invitae Variant Classification Sherloc (09022015). Collection method: clinical testing. Allele origin: germline.
Comment: This sequence change creates a premature translational stop signal (p.Ser2263Ilefs*17) in the CEP290 gene. It is expected to result in an absent or disrupted protein product. Loss-of-function variants in CEP290 are known to be pathogenic (PMID: 16909394, 17345604, 20690115). This variant is present in population databases (rs765284400, gnomAD 0.003%). This variant has not been reported in the literature in individuals affected with CEP290-related conditions. For these reasons, this variant has been classified as Pathogenic.

Literature cited by the submitters: PubMed 16909394 (cited by Labcorp Genetics (formerly Invitae), Labcorp); PubMed 17345604 (cited by Labcorp Genetics (formerly Invitae), Labcorp); PubMed 20690115 (cited by Labcorp Genetics (formerly Invitae), Labcorp).